The following is an entry in ClinVar:

NM_015338.6(ASXL1):c.538A>G (p.Asn180Asp)

Gene: ASXL1 (ASXL transcriptional regulator 1; plus strand). Cytogenetic location: 20q11.21.
Variant type: single nucleotide variant.
Coding change: c.538A>G on transcript NM_015338.6 (MANE Select); coding-DNA position 538, A replaced by G.
Protein change: p.Asn180Asp; replaces asparagine 180 with aspartic acid.
Molecular consequence: missense variant.
Genome position (GRCh38, 1-based): chr20:32,429,404, A>G. VCF-style: chr20-32429404-A-G. GRCh37 (hg19) VCF-style: chr20-31017207-A-G.
Other names: c.508A>G, p.Asn170Asp (NM_001363734.1); short protein forms N170D, N180D.
Identifiers: ClinVar variation 5017228 (VCV005017228.1).
Genomic context (GRCh38, chr20:32,429,404, plus strand): 5'-AAACAAAAGAAAAAGACTGGGGTGATGCTGCCTCGAGTTGTCCTGACTCCTCTGAAGGTA[A>G]ACGGGGCCCACGTGGAATCTGCATCAGGTATGTGTAAACTCATGGTTGTGATGCTTTTTC-3'
Protein context (NP_056153.2, residues 170-190): PRVVLTPLKV[Asn180Asp]GAHVESASGF

ClinVar aggregate classification (germline): Uncertain significance (1 of 4 stars; one submission).

Submission:

GeneDx
Classification: Uncertain significance. Last evaluated: 2026-03-23. Review status: criteria provided, single submitter. Criteria: GeneDx Variant Classification Process June 2021. Collection method: clinical testing. Allele origin: germline.
Comment: Not observed at significant frequency in large population cohorts (gnomAD); In silico analysis supports that this missense variant has a deleterious effect on protein structure/function; Has not been previously published as pathogenic or benign to our knowledge